The following is an entry in ClinVar:

ClinVar aggregate classification (germline): Pathogenic/Likely pathogenic. Review status: criteria provided, multiple submitters, no conflicts (2 of 4 stars). 2 submissions from 2 submitters: Pathogenic (1); Likely pathogenic (1). Last evaluated 2025-11-24.

Conditions:
Smith-Lemli-Opitz syndrome (SLOS). Also called: LETHAL ACRODYSGENITAL SYNDROME; POLYDACTYLY, SEX REVERSAL, RENAL HYPOPLASIA, AND UNILOBAR LUNG; RSH SYNDROME; RUTLEDGE LETHAL MULTIPLE CONGENITAL ANOMALY SYNDROME; 7-Dehydrocholesterol reductase deficiency. Identifiers: Orphanet 818, MedGen C0175694, MONDO:0010035, OMIM 270400.

gnomAD v4.1: 2 of 1,611,574 alleles (0.00012%); highest among the groups gnomAD compares: African/African-American, 0.0027%; no homozygotes.

Submissions (2):

Natera, Inc.
Classification: Likely pathogenic for Smith-Lemli-Opitz syndrome. Last evaluated: 2025-11-24. Review status: criteria provided, single submitter. Criteria: Natera Variant Classification Schema (03/2026). Collection method: clinical testing. Allele origin: germline.
Comment: The c.168C>A variant in DHCR7 is a nonsense variant predicted to introduce a stop codon at amino acid 56. This variant is expected to result in nonsense mediated decay, truncation, or a dysfunctional protein product. This variant is rare in the general population with a frequency below the threshold expected for the associated phenotype(s). Given the available evidence, this variant is classified as Likely Pathogenic.

Myriad Genetics, Inc.
Classification: Pathogenic for Smith-Lemli-Opitz syndrome. Last evaluated: 2023-08-05. Review status: criteria provided, single submitter. Criteria: Myriad Autosomal Dominant, Autosomal Recessive and X-Linked Classification Criteria (2023). Collection method: clinical testing. Allele origin: unknown.
Comment: NM_001360.2(DHCR7):c.168C>A(Y56*) is expected to be pathogenic in the context of Smith-Lemli-Opitz syndrome. This variant is predicted to lead to an abnormal or absent protein product due to the creation of a premature termination codon in DHCR7, a gene where loss-of-function variants are known to be pathogenic. Please note: this variant was assessed in the context of healthy population screening.

NM_001360.3(DHCR7):c.168C>A (p.Tyr56Ter)

Gene: DHCR7 (7-dehydrocholesterol reductase; minus strand). Cytogenetic location: 11q13.4.
Variant type: single nucleotide variant.
Coding change: c.168C>A on transcript NM_001360.3 (MANE Select); coding-DNA position 168, C replaced by A.
Protein change: p.Tyr56Ter; replaces tyrosine 56 with a stop codon.
Molecular consequence: nonsense. On other transcripts: 5 prime UTR variant (1), intron variant (3).
Genome position (GRCh38, 1-based): chr11:71,444,146, G>T on the plus strand (C>A on the coding strand, the complement: DHCR7 is on the minus strand). VCF-style: chr11-71444146-G-T. GRCh37 (hg19) VCF-style: chr11-71155192-G-T.
Other names: c.168C>A, p.Tyr56Ter (NM_001163817.2, NM_001425107.1, NM_001425108.1 and 8 more transcripts); c.-7C>A (NM_001425117.1); c.99-27C>A (NM_001425114.1, NM_001425116.1, NM_001425113.1); short protein forms Y56*.
Identifiers: ClinVar variation 4814814 (VCV004814814.2).